The following is an entry in ClinVar:

NM_030753.5(WNT3):c.260G>A (p.Arg87His)

Genes: LRRC37A2 (leucine rich repeat containing 37 member A2), WNT3 (Wnt family member 3; minus strand). Cytogenetic location: 17q21.31.
Variant type: single nucleotide variant.
Coding change: c.260G>A on transcript NM_030753.5 (MANE Select); coding-DNA position 260, G replaced by A.
Protein change: p.Arg87His; replaces arginine 87 with histidine.
Molecular consequence: missense variant.
Genome position (GRCh38, 1-based): chr17:46,773,730, C>T on the plus strand (G>A on the coding strand, the complement: WNT3 is on the minus strand). VCF-style: chr17-46773730-C-T. GRCh37 (hg19) VCF-style: chr17-44851096-C-T.
Other names: short protein forms R87H.
Identifiers: ClinVar variation 2543807 (VCV002543807.5), dbSNP rs772443949, ClinGen allele CA8620652.

ClinVar aggregate classification (germline): Uncertain significance. Review status: criteria provided, multiple submitters, no conflicts (2 of 4 stars). 2 submissions from 2 submitters: Uncertain significance (2). Last evaluated 2024-07-08.

Allele frequency attached by ClinVar (database versions not stated): gnomAD 0.00001; gnomAD exomes 0.00001; TOPMed 0.00001; ExAC 0.00002.
gnomAD v4.1: 19 of 1,589,050 alleles (0.0012%); highest among the groups gnomAD compares: South Asian, 0.0022%; no homozygotes.

Submissions (2):

Labcorp Genetics (formerly Invitae), Labcorp
Classification: Uncertain significance. Last evaluated: 2024-07-08. Review status: criteria provided, single submitter. Criteria: Invitae Variant Classification Sherloc (09022015). Collection method: clinical testing. Allele origin: germline.
Comment: This sequence change replaces arginine, which is basic and polar, with histidine, which is basic and polar, at codon 87 of the WNT3 protein (p.Arg87His). This variant is present in population databases (rs772443949, gnomAD 0.003%). This variant has not been reported in the literature in individuals affected with WNT3-related conditions. ClinVar contains an entry for this variant (Variation ID: 2543807). Advanced modeling of protein sequence and biophysical properties (such as structural, functional, and spatial information, amino acid conservation, physicochemical variation, residue mobility, and thermodynamic stability) performed at Invitae indicates that this missense variant is not expected to disrupt WNT3 protein function with a negative predictive value of 80%. In summary, the available evidence is currently insufficient to determine the role of this variant in disease. Therefore, it has been classified as a Variant of Uncertain Significance.

Ambry Genetics
Classification: Uncertain significance. Last evaluated: 2023-05-04. Review status: criteria provided, single submitter. Criteria: Ambry Variant Classification Scheme 2023. Collection method: clinical testing. Allele origin: germline.